The following is an entry in ClinVar:

NM_004046.6(ATP5F1A):c.146C>T (p.Ala49Val)

Gene: ATP5F1A (ATP synthase F1 subunit alpha; minus strand). Cytogenetic location: 18q21.1.
Variant type: single nucleotide variant.
Coding change: c.146C>T on transcript NM_004046.6 (MANE Select); coding-DNA position 146, C replaced by T.
Protein change: p.Ala49Val; replaces alanine 49 with valine.
Molecular consequence: missense variant. On other transcripts: 5 prime UTR variant (2).
Genome position (GRCh38, 1-based): chr18:46,091,845, G>A on the plus strand (C>T on the coding strand, the complement: ATP5F1A is on the minus strand). VCF-style: chr18-46091845-G-A. GRCh37 (hg19) VCF-style: chr18-43671811-G-A.
Other names: c.146C>T (NM_001001937.1); c.-5C>T (NM_001001935.3, NM_001257335.2); c.146C>T, p.Ala49Val (NM_001001937.2, NM_001257334.2); short protein forms A49V.
Identifiers: ClinVar variation 1950617 (VCV001950617.6), dbSNP rs1344232147, ClinGen allele CA402358583.

ClinVar aggregate classification (germline): Uncertain significance. Review status: criteria provided, multiple submitters, no conflicts (2 of 4 stars). 2 submissions from 2 submitters: Uncertain significance (2). Last evaluated 2025-07-24.

Allele frequency attached by ClinVar (database versions not stated): gnomAD exomes 0.00001; TOPMed 0.00001.

Submissions (2):

GeneDx
Classification: Uncertain significance. Last evaluated: 2025-07-24. Review status: criteria provided, single submitter. Criteria: GeneDx Variant Classification Process June 2021. Collection method: clinical testing. Allele origin: germline. Affected: yes.
Comment: In silico analysis suggests that this missense variant does not alter protein structure/function; Has not been previously published as pathogenic or benign to our knowledge

Labcorp Genetics (formerly Invitae), Labcorp
Classification: Uncertain significance. Last evaluated: 2023-10-05. Review status: criteria provided, single submitter. Criteria: Invitae Variant Classification Sherloc (09022015). Collection method: clinical testing. Allele origin: germline.
Comment: This sequence change replaces alanine, which is neutral and non-polar, with valine, which is neutral and non-polar, at codon 49 of the ATP5A1 protein (p.Ala49Val). This variant is present in population databases (no rsID available, gnomAD 0.002%). This variant has not been reported in the literature in individuals affected with ATP5A1-related conditions. ClinVar contains an entry for this variant (Variation ID: 1950617). An algorithm developed to predict the effect of missense changes on protein structure and function (PolyPhen-2) suggests that this variant is likely to be tolerated. In summary, the available evidence is currently insufficient to determine the role of this variant in disease. Therefore, it has been classified as a Variant of Uncertain Significance.